The following is an entry in ClinVar:

NM_014956.5(CEP164):c.3007G>C (p.Glu1003Gln)

Gene: CEP164 (centrosomal protein 164; plus strand). Cytogenetic location: 11q23.3.
Variant type: single nucleotide variant.
Coding change: c.3007G>C on transcript NM_014956.5 (MANE Select); coding-DNA position 3007, G replaced by C.
Protein change: p.Glu1003Gln; replaces glutamic acid 1003 with glutamine.
Molecular consequence: missense variant.
Genome position (GRCh38, 1-based): chr11:117,395,640, G>C. VCF-style: chr11-117395640-G-C. GRCh37 (hg19) VCF-style: chr11-117266356-G-C.
Other names: c.3016G>C, p.Glu1006Gln (NM_001271933.2); short protein forms E1003Q, E1006Q.
Identifiers: ClinVar variation 2090186 (VCV002090186.4), dbSNP rs2542140766, ClinGen allele CA382731884.

ClinVar aggregate classification (germline): Uncertain significance (1 of 4 stars; one submission).

Conditions:
Nephronophthisis 15 (NPHP15). Identifiers: Orphanet 3156, MedGen C3541853, MONDO:0013917, OMIM 614845.

gnomAD v4.1: 1 of 1,613,896 alleles (0.000062%); highest among the groups gnomAD compares: Admixed American, 0.0017%; no homozygotes.

Submission:

Labcorp Genetics (formerly Invitae), Labcorp
Classification: Uncertain significance for Nephronophthisis 15. Last evaluated: 2024-10-08. Review status: criteria provided, single submitter. Criteria: Invitae Variant Classification Sherloc (09022015). Collection method: clinical testing. Allele origin: germline.
Comment: This sequence change replaces glutamic acid, which is acidic and polar, with glutamine, which is neutral and polar, at codon 1003 of the CEP164 protein (p.Glu1003Gln). This variant is not present in population databases (gnomAD no frequency). This variant has not been reported in the literature in individuals affected with CEP164-related conditions. ClinVar contains an entry for this variant (Variation ID: 2090186). Invitae Evidence Modeling of protein sequence and biophysical properties (such as structural, functional, and spatial information, amino acid conservation, physicochemical variation, residue mobility, and thermodynamic stability) indicates that this missense variant is not expected to disrupt CEP164 protein function with a negative predictive value of 80%. In summary, the available evidence is currently insufficient to determine the role of this variant in disease. Therefore, it has been classified as a Variant of Uncertain Significance.